The following is an entry in ClinVar:

ClinVar aggregate classification (germline): Uncertain significance. Review status: criteria provided, single submitter (1 of 4 stars). 2 submissions from 2 submitters: Uncertain significance (1). 1 of the submissions does not count toward it. Last evaluated 2025-08-07.

Conditions:
NEK9-related disorder. Also called: NEK9-related condition.
Inborn genetic diseases. Identifiers: MedGen C0950123, MeSH D030342.

Allele frequency attached by ClinVar (database versions not stated): ExAC 0.00004; gnomAD 0.00005; TOPMed 0.00008; gnomAD exomes 0.00010; ESP Exome Variant Server 0.00015.
gnomAD v4.1: 154 of 1,613,822 alleles (0.0095%); highest among the groups gnomAD compares: Non-Finnish European, 0.012%; no homozygotes.

Submissions (2):

Ambry Genetics
Classification: Uncertain significance for Inborn genetic diseases. Last evaluated: 2025-08-07. Review status: criteria provided, single submitter. Criteria: Ambry Variant Classification Scheme 2023. Collection method: clinical testing. Allele origin: germline.

PreventionGenetics, part of Exact Sciences
Classification: Uncertain significance for NEK9-related condition. Last evaluated: 2024-02-28. Review status: no assertion criteria provided. Collection method: clinical testing. Allele origin: germline. Not counted in ClinVar's aggregate classification.
Comment: The NEK9 c.1850G>A variant is predicted to result in the amino acid substitution p.Arg617Gln. To our knowledge, this variant has not been reported in the literature. This variant is reported in 0.011% of alleles in individuals of European (Non-Finnish) descent in gnomAD. At this time, the clinical significance of this variant is uncertain due to the absence of conclusive functional and genetic evidence.

NM_033116.6(NEK9):c.1850G>A (p.Arg617Gln)

Gene: NEK9 (NIMA related kinase 9; minus strand). Cytogenetic location: 14q24.3.
Variant type: single nucleotide variant.
Coding change: c.1850G>A on transcript NM_033116.6 (MANE Select); coding-DNA position 1850, G replaced by A.
Protein change: p.Arg617Gln; replaces arginine 617 with glutamine.
Molecular consequence: missense variant.
Genome position (GRCh38, 1-based): chr14:75,101,144, C>T on the plus strand (G>A on the coding strand, the complement: NEK9 is on the minus strand). VCF-style: chr14-75101144-C-T. GRCh37 (hg19) VCF-style: chr14-75567847-C-T.
Other names: c.1850G>A (NM_033116.5); c.1886G>A, p.Arg629Gln (NM_001329237.2); c.1496G>A, p.Arg499Gln (NM_001329238.2); short protein forms R617Q, R499Q, R629Q.
Identifiers: ClinVar variation 2507642 (VCV002507642.5), dbSNP rs375873968, ClinGen allele CA7276814.
Genomic context (GRCh38, chr14:75,101,144, plus strand): 5'-CGCTTCTTGTAGTTCCCAACGCCCAGCTGCCCACACTTGTTGCAGCCAAAGGTCAGCAGC[C>T]GGCCTCGCTCTGAGAGAGAAGCAAAAAGAAATAACAAGGCACAAATGAGTCCTGGAACCC-3'
Protein context (NP_149107.4, residues 607-627): THTAAIDERG[Arg617Gln]LLTFGCNKCG